The following is an entry in ClinVar:

ClinVar aggregate classification (germline): Conflicting classifications of pathogenicity. Review status: criteria provided, conflicting classifications (1 of 4 stars). 2 submissions from 2 submitters: Uncertain significance (1); Likely benign (1). Last evaluated 2022-11-01.

Conditions:
Spinocerebellar ataxia type 11 (SCA11). Identifiers: Orphanet 98767, MedGen C1858351, MONDO:0011464, OMIM 604432.

Allele frequency attached by ClinVar (database versions not stated): 1000 Genomes Project 30x 0.00031; gnomAD 0.00089 and 0.00093; TOPMed 0.00122.

Submissions (2):

CeGaT Center for Human Genetics Tuebingen
Classification: Likely benign. Last evaluated: 2022-11-01. Review status: criteria provided, single submitter. Criteria: CeGaT Center For Human Genetics Tuebingen Variant Classification Criteria Version 2. Collection method: clinical testing. Allele origin: germline. Affected: yes. Observed: 1 variant allele.
Comment: TTBK2: BS1

Illumina Laboratory Services, Illumina
Classification: Uncertain significance for Spinocerebellar ataxia type 11. Last evaluated: 2018-01-12. Review status: criteria provided, single submitter. Criteria: ICSL Variant Classification Criteria 13 December 2019. Collection method: clinical testing. Allele origin: germline.

NM_173500.4(TTBK2):c.*1153G>A

Gene: TTBK2 (tau tubulin kinase 2; minus strand). Cytogenetic location: 15q15.2.
Variant type: single nucleotide variant.
Coding change: c.*1153G>A on transcript NM_173500.4 (MANE Select); 1153 bases downstream of the stop codon, G replaced by A.
Molecular consequence: 3 prime UTR variant.
Genome position (GRCh38, 1-based): chr15:42,744,642, C>T on the plus strand (G>A on the coding strand, the complement: TTBK2 is on the minus strand). VCF-style: chr15-42744642-C-T. GRCh37 (hg19) VCF-style: chr15-43036840-C-T.
Identifiers: ClinVar variation 315961 (VCV000315961.29), dbSNP rs781080005, ClinGen allele CA10645955.